The following is an entry in ClinVar:

ClinVar aggregate classification (germline): Uncertain significance. Review status: criteria provided, multiple submitters, no conflicts (2 of 4 stars). 2 submissions from 2 submitters: Uncertain significance (2). Last evaluated 2024-02-09.

Allele frequency attached by ClinVar (database versions not stated): 1000 Genomes Project 30x 0.00016; 1000 Genomes Project 0.00020.
gnomAD v4.1: 26 of 1,555,098 alleles (0.0017%); highest among the groups gnomAD compares: South Asian, 0.0036%; no homozygotes.

Submissions (2):

Blueprint Genetics
Classification: Uncertain significance. Last evaluated: 2024-02-09. Review status: criteria provided, single submitter. Criteria: ACMG Guidelines, 2015. Collection method: clinical testing. Allele origin: germline.

Labcorp Genetics (formerly Invitae), Labcorp
Classification: Uncertain significance. Last evaluated: 2021-10-27. Review status: criteria provided, single submitter. Criteria: Invitae Variant Classification Sherloc (09022015). Collection method: clinical testing. Allele origin: germline.
Comment: This sequence change replaces aspartic acid, a(n) acidic and polar amino acid, with tyrosine, a(n) neutral and polar amino acid, at codon 233 of the HPS1 protein (p.Asp233Tyr). This variant is not present in population databases (gnomAD no frequency). This variant has not been reported in the literature in individuals affected with HPS1-related conditions. Algorithms developed to predict the effect of missense changes on protein structure and function are either unavailable or do not agree on the potential impact of this missense change (SIFT: "Deleterious"; PolyPhen-2: "Probably Damaging"; Align-GVGD: "Class C0"). In summary, the available evidence is currently insufficient to determine the role of this variant in disease. Therefore, it has been classified as a Variant of Uncertain Significance.

NM_000195.5(HPS1):c.697G>T (p.Asp233Tyr)

Gene: HPS1 (HPS1 biogenesis of lysosomal organelles complex 3 subunit 1; minus strand). Cytogenetic location: 10q24.2.
Variant type: single nucleotide variant.
Coding change: c.697G>T on transcript NM_000195.5 (MANE Select); coding-DNA position 697, G replaced by T.
Protein change: p.Asp233Tyr; replaces aspartic acid 233 with tyrosine.
Molecular consequence: missense variant. On other transcripts: 5 prime UTR variant (3), synonymous variant (2).
Genome position (GRCh38, 1-based): chr10:98,430,642, C>A on the plus strand (G>T on the coding strand, the complement: HPS1 is on the minus strand). VCF-style: chr10-98430642-C-A. GRCh37 (hg19) VCF-style: chr10-100190399-C-A.
Other names: c.-177G>T (NM_001311345.2, NM_001322489.2); c.697G>T, p.Asp233Tyr (NM_001322476.2, NM_001322477.2, NM_001322478.2 and 3 more transcripts); c.436G>T, p.Asp146Tyr (NM_001322480.2, NM_001322481.2, NM_001322482.2); c.328G>T, p.Asp110Tyr (NM_001322483.2, NM_001322484.2, NM_001322485.2); c.-276G>T (NM_001322487.2); c.579G>T, p.Pro193= (NM_001322490.2, NM_001322492.2); short protein forms D146Y, D110Y, D233Y.
Identifiers: ClinVar variation 2184479 (VCV002184479.2), dbSNP rs535690375, ClinGen allele CA5639311.